The following is an entry in ClinVar:

NM_000038.6(APC):c.3163A>T (p.Ile1055Leu)

Gene: APC (APC regulator of Wnt signaling pathway; plus strand). Cytogenetic location: 5q22.2.
Variant type: single nucleotide variant.
Coding change: c.3163A>T on transcript NM_000038.6 (MANE Select); coding-DNA position 3163, A replaced by T.
Protein change: p.Ile1055Leu; replaces isoleucine 1055 with leucine.
Molecular consequence: missense variant.
Genome position (GRCh38, 1-based): chr5:112,838,757, A>T. VCF-style: chr5-112838757-A-T. GRCh37 (hg19) VCF-style: chr5-112174454-A-T.
Other names: c.3163A>T, p.Ile1055Leu (NM_001127510.3, NM_001354895.2, NM_001407450.1); c.3109A>T, p.Ile1037Leu (NM_001127511.3); c.3217A>T, p.Ile1073Leu (NM_001354896.2, NM_001407447.1, NM_001407448.1 and 1 more transcripts); c.3193A>T, p.Ile1065Leu (NM_001354897.2); c.3088A>T, p.Ile1030Leu (NM_001354898.2); c.3079A>T, p.Ile1027Leu (NM_001354899.2); c.3040A>T, p.Ile1014Leu (NM_001354900.2); c.2986A>T, p.Ile996Leu (NM_001354901.2, NM_001407453.1); and 11 more; short protein forms I1030L, I1037L, I772L, I895L, I926L, I954L, I1048L, I1083L.
Identifiers: ClinVar variation 1728333 (VCV001728333.2), dbSNP rs1580631854, ClinGen allele CA16028266.

ClinVar aggregate classification (germline): Uncertain significance (1 of 4 stars; one submission).

Conditions:
Hereditary cancer-predisposing syndrome. Also called: Tumor predisposition; Neoplastic Syndromes, Hereditary; Hereditary Cancer Syndrome; Hereditary neoplastic syndrome. Identifiers: Orphanet 140162, MedGen C0027672, MeSH D009386, MONDO:0015356.

Submission:

Ambry Genetics
Classification: Uncertain significance for Hereditary cancer-predisposing syndrome. Last evaluated: 2022-04-21. Review status: criteria provided, single submitter. Criteria: Ambry Variant Classification Scheme 2023. Collection method: clinical testing. Allele origin: germline.
Comment: The p.I1055L variant (also known as c.3163A>T), located in coding exon 15 of the APC gene, results from an A to T substitution at nucleotide position 3163. The isoleucine at codon 1055 is replaced by leucine, an amino acid with highly similar properties. This amino acid position is not well conserved in available vertebrate species. In addition, in silico predictors for this gene do not accurately predict pathogenicity. Since supporting evidence is limited at this time, the clinical significance of this alteration remains unclear.